The following is an entry in ClinVar:

ClinVar aggregate classification (germline): Uncertain significance. Review status: criteria provided, multiple submitters, no conflicts (2 of 4 stars). 3 submissions from 3 submitters: Uncertain significance (3). Last evaluated 2025-09-25.

Conditions:
Malignant hyperthermia, susceptibility to, 1 (MHS1). Also called: Anesthesia related hyperthermia; Malignant hyperpyrexia; Fulminating hyperpyrexia; Pharmacogenic myopathy; RYR1-Related Malignant Hyperthermia Susceptibility; Malignant hyperthermia suceptibility 1. Identifiers: Orphanet 423, MedGen C2930980, MONDO:0007783, OMIM 145600.
Inborn genetic diseases. Identifiers: MedGen C0950123, MeSH D030342.

Allele frequency attached by ClinVar (database versions not stated): gnomAD 0.00001; gnomAD exomes 0.00001; TOPMed below 0.00001.
gnomAD v4.1: 10 of 1,612,448 alleles (0.00062%); highest among the groups gnomAD compares: African/African-American, 0.0013%; no homozygotes.

Submissions (3):

Ambry Genetics
Classification: Uncertain significance for Inborn genetic diseases. Last evaluated: 2025-09-25. Review status: criteria provided, single submitter. Criteria: Ambry Variant Classification Scheme 2023. Collection method: clinical testing. Allele origin: germline.

Color Diagnostics, LLC DBA Color Health
Classification: Uncertain significance for Malignant hyperthermia, susceptibility to, 1. Last evaluated: 2025-08-25. Review status: criteria provided, single submitter. Criteria: ACMG Guidelines, 2015. Collection method: clinical testing. Allele origin: germline.
Comment: This missense variant replaces tyrosine with cysteine at codon 3166 of the RYR1 protein. Computational prediction suggests that this variant may have deleterious impact on protein structure and function. To our knowledge, functional studies have not been reported for this variant. This variant has not been reported in individuals affected with RYR1-related disorders in the literature. This variant has been identified in 3/282630 chromosomes in the general population by the Genome Aggregation Database (gnomAD). The available evidence is insufficient to determine the role of this variant in disease conclusively. Therefore, this variant is classified as a Variant of Uncertain Significance.

All of Us Research Program, National Institutes of Health
Classification: Uncertain significance for Malignant hyperthermia, susceptibility to, 1. Last evaluated: 2023-12-01. Review status: criteria provided, single submitter. Criteria: ACMG Guidelines, 2015. Collection method: clinical testing. Allele origin: germline. Inheritance: Autosomal dominant inheritance. Observed: 3 variant alleles, 3 heterozygotes.
Comment: This study involves interpretation of variants in research participants for the purpose of population health screening. Participant phenotype was not available at the time of variant classification. Additional details can be found in publication PMID: 35346344, PMCID: PMC8962531

NM_000540.3(RYR1):c.9497A>G (p.Tyr3166Cys)

Gene: RYR1 (ryanodine receptor 1; plus strand). Cytogenetic location: 19q13.2.
Variant type: single nucleotide variant.
Coding change: c.9497A>G on transcript NM_000540.3 (MANE Select); coding-DNA position 9497, A replaced by G.
Protein change: p.Tyr3166Cys; replaces tyrosine 3166 with cysteine.
Molecular consequence: missense variant.
Genome position (GRCh38, 1-based): chr19:38,515,050, A>G. VCF-style: chr19-38515050-A-G. GRCh37 (hg19) VCF-style: chr19-39005690-A-G.
Other names: c.9497A>G, p.Tyr3166Cys (NM_001042723.2); short protein forms Y3166C.
Identifiers: ClinVar variation 3071684 (VCV003071684.3), dbSNP rs1421010900, ClinGen allele CA405688704.